The following is an entry in ClinVar:

NM_152594.3(SPRED1):c.451C>G (p.Leu151Val)

Gene: SPRED1 (sprouty related EVH1 domain containing 1; plus strand). Cytogenetic location: 15q14.
Variant type: single nucleotide variant.
Coding change: c.451C>G on transcript NM_152594.3 (MANE Select); coding-DNA position 451, C replaced by G.
Protein change: p.Leu151Val; replaces leucine 151 with valine.
Molecular consequence: missense variant.
Genome position (GRCh38, 1-based): chr15:38,339,764, C>G. VCF-style: chr15-38339764-C-G. GRCh37 (hg19) VCF-style: chr15-38631965-C-G.
Other names: c.451C>G (NM_152594.2); short protein forms L151V.
Identifiers: ClinVar variation 1006489 (VCV001006489.10), dbSNP rs750421037, ClinGen allele CA7470094.

ClinVar aggregate classification (germline): Uncertain significance. Review status: criteria provided, multiple submitters, no conflicts (2 of 4 stars). 2 submissions from 2 submitters: Uncertain significance (2). Last evaluated 2024-12-17.

Conditions:
Cardiovascular phenotype. Identifiers: MedGen CN230736.
Legius syndrome. Identifiers: Orphanet 137605, MedGen C1969623, MONDO:0012669, OMIM 611431. Disease mechanism: loss of function.

Allele frequency attached by ClinVar (database versions not stated): gnomAD exomes below 0.00001; TOPMed below 0.00001; ExAC 0.00001.
gnomAD v4.1: 11 of 1,613,852 alleles (0.00068%); highest among the groups gnomAD compares: East Asian, 0.0022%; no homozygotes.

Submissions (2):

Ambry Genetics
Classification: Uncertain significance for Cardiovascular phenotype. Last evaluated: 2024-12-17. Review status: criteria provided, single submitter. Criteria: Ambry Variant Classification Scheme 2023. Collection method: clinical testing. Allele origin: germline.
Comment: The p.L151V variant (also known as c.451C>G), located in coding exon 5 of the SPRED1 gene, results from a C to G substitution at nucleotide position 451. The leucine at codon 151 is replaced by valine, an amino acid with highly similar properties. This amino acid position is conserved. In addition, this alteration is predicted to be tolerated by in silico analysis. Based on the available evidence, the clinical significance of this variant remains unclear.

Labcorp Genetics (formerly Invitae), Labcorp
Classification: Uncertain significance for Legius syndrome. Last evaluated: 2022-12-28. Review status: criteria provided, single submitter. Criteria: Invitae Variant Classification Sherloc (09022015). Collection method: clinical testing. Allele origin: germline.
Comment: In summary, the available evidence is currently insufficient to determine the role of this variant in disease. Therefore, it has been classified as a Variant of Uncertain Significance. Advanced modeling of protein sequence and biophysical properties (such as structural, functional, and spatial information, amino acid conservation, physicochemical variation, residue mobility, and thermodynamic stability) performed at Invitae indicates that this missense variant is not expected to disrupt SPRED1 protein function. ClinVar contains an entry for this variant (Variation ID: 1006489). This variant has not been reported in the literature in individuals affected with SPRED1-related conditions. This variant is present in population databases (rs750421037, gnomAD 0.0009%). This sequence change replaces leucine, which is neutral and non-polar, with valine, which is neutral and non-polar, at codon 151 of the SPRED1 protein (p.Leu151Val).